The following is an entry in ClinVar:

ClinVar aggregate classification (germline): Uncertain significance (1 of 4 stars; one submission).

Conditions:
Charcot-Marie-Tooth disease axonal type 2O. Also called: Charcot-Marie-Tooth disease, axonal, type 20; CHARCOT-MARIE-TOOTH NEUROPATHY, AXONAL, TYPE 2O; CHARCOT-MARIE-TOOTH DISEASE, AXONAL, AUTOSOMAL DOMINANT, TYPE 2O; Charcot-Marie-Tooth Neuropathy Type 2O. Identifiers: Orphanet 284232, MedGen C3280220, MONDO:0013644, OMIM 614228.

Submission:

Labcorp Genetics (formerly Invitae), Labcorp
Classification: Uncertain significance for Charcot-Marie-Tooth disease axonal type 2O. Last evaluated: 2022-12-02. Review status: criteria provided, single submitter. Criteria: Invitae Variant Classification Sherloc (09022015). Collection method: clinical testing. Allele origin: germline.
Comment: Advanced modeling of protein sequence and biophysical properties (such as structural, functional, and spatial information, amino acid conservation, physicochemical variation, residue mobility, and thermodynamic stability) performed at Invitae indicates that this missense variant is not expected to disrupt DYNC1H1 protein function. In summary, the available evidence is currently insufficient to determine the role of this variant in disease. Therefore, it has been classified as a Variant of Uncertain Significance. ClinVar contains an entry for this variant (Variation ID: 1519597). This variant has not been reported in the literature in individuals affected with DYNC1H1-related conditions. This variant is not present in population databases (gnomAD no frequency). This sequence change replaces methionine, which is neutral and non-polar, with arginine, which is basic and polar, at codon 938 of the DYNC1H1 protein (p.Met938Arg).

NM_001376.5(DYNC1H1):c.2813T>G (p.Met938Arg)

Gene: DYNC1H1 (dynein cytoplasmic 1 heavy chain 1; plus strand). Cytogenetic location: 14q32.31.
Variant type: single nucleotide variant.
Coding change: c.2813T>G on transcript NM_001376.5 (MANE Select); coding-DNA position 2813, T replaced by G.
Protein change: p.Met938Arg; replaces methionine 938 with arginine.
Molecular consequence: missense variant.
Genome position (GRCh38, 1-based): chr14:101,988,797, T>G. VCF-style: chr14-101988797-T-G. GRCh37 (hg19) VCF-style: chr14-102455134-T-G.
Other names: short protein forms M938R.
Identifiers: ClinVar variation 1519597 (VCV001519597.8), dbSNP rs2047964248, ClinGen allele CA391028806.
Genomic context (GRCh38, chr14:101,988,797, plus strand): 5'-GCCTGAGAGCTTGGACGCAGGTTCTTCTTGGACAAGCTGAAGATAAAGCAGAAGTTGACA[T>G]GGACACAGATGCTCCACAAGTTAGTCACAAGCCTGGTGGAGAGCCAAAGATCAAAGTGAG-3'
Protein context (NP_001367.2, residues 928-948): GQAEDKAEVD[Met938Arg]DTDAPQVSHK